The following is an entry in ClinVar:

NM_001096.3(ACLY):c.465C>A (p.Gly155=)

Gene: ACLY (ATP citrate lyase; minus strand). Cytogenetic location: 17q21.2.
Variant type: single nucleotide variant.
Coding change: c.465C>A on transcript NM_001096.3 (MANE Select); coding-DNA position 465, C replaced by A.
Protein change: p.Gly155=; no amino-acid change (glycine 155 retained).
Molecular consequence: synonymous variant.
Genome position (GRCh38, 1-based): chr17:41,909,581, G>T on the plus strand (C>A on the coding strand, the complement: ACLY is on the minus strand). VCF-style: chr17-41909581-G-T. GRCh37 (hg19) VCF-style: chr17-40065834-G-T.
Other names: c.627C>A, p.Gly209= (NM_001303274.1, NM_001303275.1); c.465C>A, p.Gly155= (NM_198830.2).
Identifiers: ClinVar variation 64472 (VCV000064472.2), dbSNP rs387907384, ClinGen allele CA216219.

ClinVar aggregate classification (germline): Uncertain significance (0 of 4 stars; one submission).

gnomAD v4.1: 34 of 1,614,074 alleles (0.0021%); highest among the groups gnomAD compares: South Asian, 0.035%; no homozygotes.

Submission:

Martin Pollak Laboratory,  Beth Israel Deaconess Medical Center
Classification: Uncertain significance. Review status: no assertion criteria provided. Collection method: not provided. Allele origin: unknown.
Comment: Lower UCa2+ group
ClinVar note: Converted during submission from unknown to Uncertain significance.